The following is an entry in ClinVar:

ClinVar aggregate classification (germline): Uncertain significance. Review status: criteria provided, multiple submitters, no conflicts (2 of 4 stars). 3 submissions from 3 submitters: Uncertain significance (2). 1 of the submissions does not count toward it. Last evaluated 2022-12-05.

Conditions:
Charcot-Marie-Tooth disease type 4. Also called: Charcot-Marie-Tooth disease, type IV; Charcot-Marie-Tooth, Type 4. Identifiers: Orphanet 64749, MedGen C4082197, MONDO:0018995.
Charcot-Marie-Tooth disease. Also called: Charcot-Marie-Tooth Neuropathy; Charcot-Marie-Tooth Hereditary Neuropathy. Identifiers: Orphanet 166, MedGen C0007959, MONDO:0015626.

gnomAD v4.1: 5 of 1,601,392 alleles (0.00031%); highest among the groups gnomAD compares: Non-Finnish European, 0.00043%; no homozygotes.

Submissions (3):

Athena Diagnostics
Classification: Uncertain significance. Last evaluated: 2022-12-05. Review status: criteria provided, single submitter. Criteria: Athena Diagnostics Criteria. Collection method: clinical testing. Allele origin: unknown.
Comment: Available data are insufficient to determine the clinical significance of the variant at this time. This variant is predicted to result in a premature stop codon in the last exon of the gene. Nonsense variants in this region of genes are thought to escape normal nonsense-mediated decay mechanisms. Therefore, this altered protein may be expressed, but it remains unclear if the alteration will affect its function. This variant has not been reported in large, multi-ethnic general populations.

Labcorp Genetics (formerly Invitae), Labcorp
Classification: Uncertain significance for Charcot-Marie-Tooth disease type 4. Last evaluated: 2022-01-26. Review status: criteria provided, single submitter. Criteria: Invitae Variant Classification Sherloc (09022015). Collection method: clinical testing. Allele origin: germline.
Comment: In summary, the available evidence is currently insufficient to determine the role of this variant in disease. Therefore, it has been classified as a Variant of Uncertain Significance. Experimental studies and prediction algorithms are not available or were not evaluated, and the functional significance of this variant is currently unknown. ClinVar contains an entry for this variant (Variation ID: 694913). This variant has not been reported in the literature in individuals affected with PRX-related conditions. This variant is not present in population databases (gnomAD no frequency). This sequence change creates a premature translational stop signal (p.Tyr1291*) in the PRX gene. While this is not anticipated to result in nonsense mediated decay, it is expected to disrupt the last 171 amino acid(s) of the PRX protein.

Genesis Genome Database
Classification: Uncertain significance for Charcot-Marie-Tooth disease. Last evaluated: 2019-08-14. Review status: no assertion criteria provided. Collection method: research. Allele origin: germline. Affected: yes. Not counted in ClinVar's aggregate classification.

NM_181882.3(PRX):c.3873C>G (p.Tyr1291Ter)

Gene: PRX (periaxin; minus strand). Cytogenetic location: 19q13.2.
Variant type: single nucleotide variant.
Coding change: c.3873C>G on transcript NM_181882.3 (MANE Select); coding-DNA position 3873, C replaced by G.
Protein change: p.Tyr1291Ter; replaces tyrosine 1291 with a stop codon.
Molecular consequence: nonsense. On other transcripts: 3 prime UTR variant (1).
Genome position (GRCh38, 1-based): chr19:40,394,479, G>C on the plus strand (C>G on the coding strand, the complement: PRX is on the minus strand). VCF-style: chr19-40394479-G-C. GRCh37 (hg19) VCF-style: chr19-40900386-G-C.
Other names: c.*4078C>G (NM_020956.2); short protein forms Y1291*.
Identifiers: ClinVar variation 694913 (VCV000694913.5), dbSNP rs765769524, ClinGen allele CA405891837.